The following is an entry in ClinVar:

NM_000077.5(CDKN2A):c.319C>G (p.Arg107Gly)

Gene: CDKN2A (cyclin dependent kinase inhibitor 2A; minus strand). Cytogenetic location: 9p21.3.
Variant type: single nucleotide variant.
Coding change: c.319C>G on transcript NM_000077.5; coding-DNA position 319, C replaced by G.
Protein change: p.Arg107Gly; replaces arginine 107 with glycine.
Molecular consequence: missense variant (on NM_000077.6). On other transcripts: 3 prime UTR variant (1).
Genome position (GRCh38, 1-based): chr9:21,971,040, G>C on the plus strand (C>G on the coding strand, the complement: CDKN2A is on the minus strand). VCF-style: chr9-21971040-G-C. GRCh37 (hg19) VCF-style: chr9-21971039-G-C.
Other names: c.319C>G, p.Arg107Gly (NM_000077.6, NM_001195132.2); c.166C>G, p.Arg56Gly (NM_001363763.2); c.362C>G, p.Ala121Gly (NM_058195.4); c.*242C>G (NM_058197.5); short protein forms R107G, A121G, R56G.
Identifiers: ClinVar variation 3489673 (VCV003489673.1).

ClinVar aggregate classification (germline): Uncertain significance (1 of 4 stars; one submission).

Conditions:
Hereditary cancer-predisposing syndrome. Also called: Tumor predisposition; Neoplastic Syndromes, Hereditary; Hereditary Cancer Syndrome; Hereditary neoplastic syndrome. Identifiers: Orphanet 140162, MedGen C0027672, MeSH D009386, MONDO:0015356.

gnomAD v4.1: 2 of 1,605,726 alleles (0.00012%); highest among the groups gnomAD compares: Non-Finnish European, 0.00017%; no homozygotes.

Submission:

Ambry Genetics
Classification: Uncertain significance for Hereditary cancer-predisposing syndrome. Last evaluated: 2024-09-24. Review status: criteria provided, single submitter. Criteria: Ambry Variant Classification Scheme 2023. Collection method: clinical testing. Allele origin: germline.
Comment: The p.R107G variant (also known as c.319C>G), located in coding exon 2 of the CDKN2A gene, results from a C to G substitution at nucleotide position 319. The arginine at codon 107 is replaced by glycine, an amino acid with dissimilar properties. Of note, this variant is also known as c.362C>G (p.A121G) in the p14(ARF) isoform. This amino acid position is not well conserved in available vertebrate species. In addition, the in silico prediction for this alteration is inconclusive. Based on the available evidence, the clinical significance of this variant remains unclear.